The following is an entry in ClinVar:

NM_000901.5(NR3C2):c.767A>G (p.Asn256Ser)

Gene: NR3C2 (nuclear receptor subfamily 3 group C member 2; minus strand). Cytogenetic location: 4q31.23.
Variant type: single nucleotide variant.
Coding change: c.767A>G on transcript NM_000901.5 (MANE Select); coding-DNA position 767, A replaced by G.
Protein change: p.Asn256Ser; replaces asparagine 256 with serine.
Molecular consequence: missense variant. On other transcripts: non-coding transcript variant (1).
Genome position (GRCh38, 1-based): chr4:148,436,094, T>C on the plus strand (A>G on the coding strand, the complement: NR3C2 is on the minus strand). VCF-style: chr4-148436094-T-C. GRCh37 (hg19) VCF-style: chr4-149357246-T-C.
Other names: c.767A>G, p.Asn256Ser (NM_001354819.1, NM_001166104.2); short protein forms N256S.
Identifiers: ClinVar variation 710955 (VCV000710955.11), dbSNP rs72645685, ClinGen allele CA3100412.
Genomic context (GRCh38, chr4:148,436,094, plus strand): 5'-GGAGGGCTGGAAATTGAGGATTTCATGCTACTTAACGGACTTGAGAGAGGAGAGCCCACA[T>C]TGCTAGCATGTGCAGGGCTGTGCGACCTGGAGCCTCGATTTTCAACATTAGGGGAGCATG-3'
Protein context (NP_000892.2, residues 246-266): SRSHSPAHAS[Asn256Ser]VGSPLSSPLS

ClinVar aggregate classification (germline): Benign. Review status: criteria provided, multiple submitters, no conflicts (2 of 4 stars). 2 submissions from 2 submitters: Benign (2). Last evaluated 2026-02-01.

Conditions:
Autosomal dominant pseudohypoaldosteronism type 1. Also called: PHA I, AUTOSOMAL DOMINANT; Pseudohypoaldosteronism, Type I, Dominant; Pseudohypoaldosteronism, Type I, Autosomal Dominant. Identifiers: Orphanet 171871, Orphanet 756, MedGen C1449842, MONDO:0008329, OMIM 177735.

Allele frequency attached by ClinVar (database versions not stated): gnomAD 0.00108; TOPMed 0.00166; ESP Exome Variant Server 0.00169; 1000 Genomes Project 30x 0.00219; 1000 Genomes Project 0.00220.
gnomAD v4.1: 372 of 1,614,098 alleles (0.023%); highest among the groups gnomAD compares: African/African-American, 0.46%; no homozygotes.

Submissions (2):

Labcorp Genetics (formerly Invitae), Labcorp
Classification: Benign. Last evaluated: 2026-02-01. Review status: criteria provided, single submitter. Criteria: Invitae Variant Classification Sherloc (09022015). Collection method: clinical testing. Allele origin: germline.

Illumina Laboratory Services, Illumina
Classification: Benign for Autosomal dominant pseudohypoaldosteronism type 1. Last evaluated: 2018-01-13. Review status: criteria provided, single submitter. Criteria: ICSL Variant Classification Criteria 13 December 2019. Collection method: clinical testing. Allele origin: germline.
Comment: This variant was observed in the ICSL laboratory as part of a predisposition screen in an ostensibly healthy population. It had not been previously curated by ICSL or reported in the Human Gene Mutation Database (HGMD: prior to June 1st, 2018), and was therefore a candidate for classification through an automated scoring system. Utilizing variant allele frequency, disease prevalence and penetrance estimates, and inheritance mode, an automated score was calculated to assess if this variant is too frequent to cause the disease. Based on the score and internal cut-off values, a variant classified as benign is not then subjected to further curation. The score for this variant resulted in a classification of benign for this disease.